The following is an entry in ClinVar:

ClinVar aggregate classification (germline): Benign/Likely benign. Review status: criteria provided, multiple submitters, no conflicts (2 of 4 stars). 5 submissions from 5 submitters: Benign (1); Likely benign (3). 1 of the submissions does not count toward it. Last evaluated 2026-02-04.

Conditions:
CDH23-related disorder. Also called: CDH23-related disorders; CDH23-related condition.

Allele frequency attached by ClinVar (database versions not stated): ESP Exome Variant Server 0.00008; gnomAD 0.00025 and 0.00028; gnomAD exomes 0.00032; TOPMed 0.00032; ExAC 0.00036; 1000 Genomes Project 30x 0.00078; 1000 Genomes Project 0.00080.
gnomAD v4.1: 244 of 1,611,970 alleles (0.015%); highest among the groups gnomAD compares: East Asian, 0.19%; 1 homozygote.

Submissions (5):

Labcorp Genetics (formerly Invitae), Labcorp
Classification: Benign. Last evaluated: 2026-02-04. Review status: criteria provided, single submitter. Criteria: Invitae Variant Classification Sherloc (09022015). Collection method: clinical testing. Allele origin: germline.

Blueprint Genetics
Classification: Likely benign. Last evaluated: 2024-11-14. Review status: criteria provided, single submitter. Criteria: ACMG Guidelines, 2015. Collection method: clinical testing. Allele origin: germline.

GeneDx
Classification: Likely benign. Last evaluated: 2018-11-15. Review status: criteria provided, single submitter. Criteria: GeneDx Variant Classification Process June 2021. Collection method: clinical testing. Allele origin: germline. Affected: yes.

Laboratory for Molecular Medicine, Mass General Brigham Personalized Medicine
Classification: Likely benign. Last evaluated: 2011-03-01. Review status: criteria provided, single submitter. Criteria: LMM Criteria. Collection method: clinical testing. Allele origin: germline. Observed: 1 variant allele.
Comment: Ala3146Ala in exon 67 of CDH23: This variant is not expected to have clinical si gnificance because it does not alter an amino acid residue and is not located ne ar a splice junction.

PreventionGenetics, part of Exact Sciences
Classification: Likely benign for CDH23-related condition. Last evaluated: 2019-11-21. Review status: no assertion criteria provided. Collection method: clinical testing. Allele origin: germline. Not counted in ClinVar's aggregate classification.
Comment: This variant is classified as likely benign based on ACMG/AMP sequence variant interpretation guidelines (Richards et al. 2015 PMID: 25741868, with internal and published modifications).

NM_022124.6(CDH23):c.9438G>A (p.Ala3146=)

Gene: CDH23 (cadherin related 23; plus strand). Cytogenetic location: 10q22.1.
Variant type: single nucleotide variant.
Coding change: c.9438G>A on transcript NM_022124.6 (MANE Select); coding-DNA position 9438, G replaced by A.
Protein change: p.Ala3146=; no amino-acid change (alanine 3146 retained).
Molecular consequence: synonymous variant.
Genome position (GRCh38, 1-based): chr10:71,812,537, G>A. VCF-style: chr10-71812537-G-A. GRCh37 (hg19) VCF-style: chr10-73572294-G-A.
Other names: c.2718G>A, p.Ala906= (NM_001171933.1, NM_001171934.1); c.129G>A, p.Ala43= (NM_001171935.1, NM_001171936.1).
Identifiers: ClinVar variation 46073 (VCV000046073.21), dbSNP rs200572025, ClinGen allele CA137638.
Genomic context (GRCh38, chr10:71,812,537, plus strand): 5'-CAGAGCCAACCCTGTGTGGCTGGATCCCTTCTGTCGGAACCTGGAGCTGGCCGCCCAGGC[G>A]GAGCATGAGGATGACCTACCGGAGAACCTGAGTGAGATCGCCGACCTGTGGAACAGCCCC-3'
Protein context (NP_071407.4, residues 3136-3156): FCRNLELAAQ[Ala3146=]EHEDDLPENL